The following is an entry in ClinVar:

NM_130837.3(OPA1):c.2618G>A (p.Arg873Gln)

Gene: OPA1 (OPA1 mitochondrial dynamin like GTPase; plus strand). Cytogenetic location: 3q29.
Variant type: single nucleotide variant.
Coding change: c.2618G>A on transcript NM_130837.3 (MANE Select); coding-DNA position 2618, G replaced by A.
Protein change: p.Arg873Gln; replaces arginine 873 with glutamine.
Molecular consequence: missense variant.
Genome position (GRCh38, 1-based): chr3:193,662,919, G>A. VCF-style: chr3-193662919-G-A. GRCh37 (hg19) VCF-style: chr3-193380708-G-A.
Other names: c.2084G>A, p.Arg695Gln (NM_001354663.2); c.2081G>A, p.Arg694Gln (NM_001354664.2); c.2453G>A, p.Arg818Gln (NM_015560.3); c.2345G>A, p.Arg782Gln (NM_130831.3); c.2399G>A, p.Arg800Gln (NM_130832.3); c.2456G>A, p.Arg819Gln (NM_130833.3); c.2507G>A, p.Arg836Gln (NM_130834.3); c.2510G>A, p.Arg837Gln (NM_130835.3); and 1 more; short protein forms R694Q, R695Q, R782Q, R800Q, R818Q, R819Q, R836Q, R837Q.
Identifiers: ClinVar variation 1211934 (VCV001211934.10), dbSNP rs954754062, ClinGen allele CA90554529.

ClinVar aggregate classification (germline): Uncertain significance. Review status: criteria provided, multiple submitters, no conflicts (2 of 4 stars). 3 submissions from 3 submitters: Uncertain significance (3). Last evaluated 2024-02-09.

Allele frequency attached by ClinVar (database versions not stated): TOPMed below 0.00001; gnomAD 0.00001; gnomAD exomes 0.00001 and 0.00002.
gnomAD v4.1: 32 of 1,613,516 alleles (0.002%); highest among the groups gnomAD compares: Non-Finnish European, 0.0025%; no homozygotes.

Submissions (3):

Blueprint Genetics
Classification: Uncertain significance. Last evaluated: 2024-02-09. Review status: criteria provided, single submitter. Criteria: ACMG Guidelines, 2015. Collection method: clinical testing. Allele origin: germline.

Labcorp Genetics (formerly Invitae), Labcorp
Classification: Uncertain significance. Last evaluated: 2021-11-22. Review status: criteria provided, single submitter. Criteria: Invitae Variant Classification Sherloc (09022015). Collection method: clinical testing. Allele origin: germline.
Comment: In summary, the available evidence is currently insufficient to determine the role of this variant in disease. Therefore, it has been classified as a Variant of Uncertain Significance. Advanced modeling of protein sequence and biophysical properties (such as structural, functional, and spatial information, amino acid conservation, physicochemical variation, residue mobility, and thermodynamic stability) performed at Invitae indicates that this missense variant is expected to disrupt OPA1 protein function. ClinVar contains an entry for this variant (Variation ID: 1211934). This variant has not been reported in the literature in individuals affected with OPA1-related conditions. This variant is present in population databases (no rsID available, gnomAD 0.0009%). This sequence change replaces arginine, which is basic and polar, with glutamine, which is neutral and polar, at codon 818 of the OPA1 protein (p.Arg818Gln).

GeneDx
Classification: Uncertain significance. Last evaluated: 2020-02-04. Review status: criteria provided, single submitter. Criteria: GeneDx Variant Classification Process June 2021. Collection method: clinical testing. Allele origin: germline. Affected: yes.
Comment: Not observed at a significant frequency in large population cohorts (Lek et al., 2016); In silico analysis supports that this missense variant has a deleterious effect on protein structure/function; Has not been previously published as pathogenic or benign to our knowledge